The following is an entry in ClinVar:

ClinVar aggregate classification (germline): Uncertain significance (1 of 4 stars; one submission).

Allele frequency attached by ClinVar (database versions not stated): gnomAD exomes below 0.00001; TOPMed below 0.00001; gnomAD 0.00001.
gnomAD v4.1: 2 of 1,609,080 alleles (0.00012%); highest among the groups gnomAD compares: Non-Finnish European, 0.00017%; no homozygotes.

Submission:

Labcorp Genetics (formerly Invitae), Labcorp
Classification: Uncertain significance. Last evaluated: 2023-06-04. Review status: criteria provided, single submitter. Criteria: Invitae Variant Classification Sherloc (09022015). Collection method: clinical testing. Allele origin: germline.
Comment: This sequence change replaces serine, which is neutral and polar, with proline, which is neutral and non-polar, at codon 583 of the ATP6V1A protein (p.Ser583Pro). This variant is not present in population databases (gnomAD no frequency). This variant has not been reported in the literature in individuals affected with ATP6V1A-related conditions. Advanced modeling of protein sequence and biophysical properties (such as structural, functional, and spatial information, amino acid conservation, physicochemical variation, residue mobility, and thermodynamic stability) performed at Invitae indicates that this missense variant is not expected to disrupt ATP6V1A protein function. In summary, the available evidence is currently insufficient to determine the role of this variant in disease. Therefore, it has been classified as a Variant of Uncertain Significance.

NM_001690.4(ATP6V1A):c.1747T>C (p.Ser583Pro)

Gene: ATP6V1A (ATPase H+ transporting V1 subunit A; plus strand). Cytogenetic location: 3q13.31.
Variant type: single nucleotide variant.
Coding change: c.1747T>C on transcript NM_001690.4 (MANE Select); coding-DNA position 1747, T replaced by C.
Protein change: p.Ser583Pro; replaces serine 583 with proline.
Molecular consequence: missense variant.
Genome position (GRCh38, 1-based): chr3:113,805,511, T>C. VCF-style: chr3-113805511-T-C. GRCh37 (hg19) VCF-style: chr3-113524358-T-C.
Other names: short protein forms S583P.
Identifiers: ClinVar variation 2769117 (VCV002769117.3), dbSNP rs1709266040, ClinGen allele CA353994136.